The following is an entry in ClinVar:

ClinVar aggregate classification (germline): Uncertain significance (1 of 4 stars; one submission).

Submission:

Labcorp Genetics (formerly Invitae), Labcorp
Classification: Uncertain significance. Last evaluated: 2023-08-10. Review status: criteria provided, single submitter. Criteria: Invitae Variant Classification Sherloc (09022015). Collection method: clinical testing. Allele origin: germline.
Comment: In summary, the available evidence is currently insufficient to determine the role of this variant in disease. Therefore, it has been classified as a Variant of Uncertain Significance. An algorithm developed to predict the effect of missense changes on protein structure and function (PolyPhen-2) suggests that this variant is likely to be tolerated. ClinVar contains an entry for this variant (Variation ID: 1718706). This variant has not been reported in the literature in individuals affected with TAF1-related conditions. This variant is not present in population databases (gnomAD no frequency). This sequence change replaces isoleucine, which is neutral and non-polar, with threonine, which is neutral and polar, at codon 20 of the TAF1 protein (p.Ile20Thr).

NM_004606.5(TAF1):c.-2T>C

Gene: TAF1 (TATA-box binding protein associated factor 1; plus strand). Cytogenetic location: Xq13.1.
Variant type: single nucleotide variant.
Coding change: c.-2T>C on transcript NM_004606.5 (MANE Select); 2 bases upstream of the start codon, T replaced by C.
Molecular consequence: 5 prime UTR variant. On other transcripts: non-coding transcript variant (9).
Genome position (GRCh38, 1-based): chrX:71,366,373, T>C. VCF-style: chrX-71366373-T-C. GRCh37 (hg19) VCF-style: chrX-70586223-T-C.
Other names: c.-2T>C (NM_001286074.2, NM_138923.4).
Identifiers: ClinVar variation 1718706 (VCV001718706.6), dbSNP rs2519961520, ClinGen allele CA413502450.
Genomic context (GRCh38, chrX:71,366,373, plus strand): 5'-CTATGGGACCCGGCTGCGATTTGCTGCTGCGGACAGCAGCTACCATCACTGCTGCCGCCA[T>C]CATGTCAGACACGGACAGCGACGAAGATTCCGCTGGAGGCGGCCCATTTTCTTTAGCGGG-3'